The following is an entry in ClinVar:

NM_021072.4(HCN1):c.1949C>T (p.Thr650Ile)

Gene: HCN1 (hyperpolarization activated cyclic nucleotide gated potassium channel 1; minus strand). Cytogenetic location: 5p12.
Variant type: single nucleotide variant.
Coding change: c.1949C>T on transcript NM_021072.4 (MANE Select); coding-DNA position 1949, C replaced by T.
Protein change: p.Thr650Ile; replaces threonine 650 with isoleucine.
Molecular consequence: missense variant.
Genome position (GRCh38, 1-based): chr5:45,262,645, G>A on the plus strand (C>T on the coding strand, the complement: HCN1 is on the minus strand). VCF-style: chr5-45262645-G-A. GRCh37 (hg19) VCF-style: chr5-45262747-G-A.
Other names: short protein forms T650I.
Identifiers: ClinVar variation 2263575 (VCV002263575.8), dbSNP rs766768359, ClinGen allele CA3259197.

ClinVar aggregate classification (germline): Conflicting classifications of pathogenicity. Review status: criteria provided, conflicting classifications (1 of 4 stars). 3 submissions from 3 submitters: Uncertain significance (2); Likely benign (1). Last evaluated 2024-04-25.

Conditions:
Early-infantile DEE. Also called: Ohtahara syndrome; Early infantile epileptic encephalopathy; Early infantile epileptic encephalopathy with suppression bursts. Identifiers: Orphanet 1934, MedGen C0393706, MONDO:0800491.
Inborn genetic diseases. Identifiers: MedGen C0950123, MeSH D030342.

Allele frequency attached by ClinVar (database versions not stated): gnomAD 0.00001; ExAC 0.00002; gnomAD exomes below 0.00001; TOPMed below 0.00001.
gnomAD v4.1: 9 of 1,613,952 alleles (0.00056%); highest among the groups gnomAD compares: South Asian, 0.0099%; no homozygotes.

Submissions (3):

Labcorp Genetics (formerly Invitae), Labcorp
Classification: Uncertain significance for Early-infantile DEE. Last evaluated: 2024-04-25. Review status: criteria provided, single submitter. Criteria: Invitae Variant Classification Sherloc (09022015). Collection method: clinical testing. Allele origin: germline.
Comment: This sequence change replaces threonine, which is neutral and polar, with isoleucine, which is neutral and non-polar, at codon 650 of the HCN1 protein (p.Thr650Ile). This variant is present in population databases (rs766768359, gnomAD 0.01%). This variant has not been reported in the literature in individuals affected with HCN1-related conditions. ClinVar contains an entry for this variant (Variation ID: 2263575). Advanced modeling of protein sequence and biophysical properties (such as structural, functional, and spatial information, amino acid conservation, physicochemical variation, residue mobility, and thermodynamic stability) performed at Invitae indicates that this missense variant is not expected to disrupt HCN1 protein function with a negative predictive value of 95%. In summary, the available evidence is currently insufficient to determine the role of this variant in disease. Therefore, it has been classified as a Variant of Uncertain Significance.

Ambry Genetics
Classification: Likely benign for Inborn genetic diseases. Last evaluated: 2022-02-04. Review status: criteria provided, single submitter. Criteria: Ambry Variant Classification Scheme 2023. Collection method: clinical testing. Allele origin: germline.

Revvity Omics, Revvity
Classification: Uncertain significance. Last evaluated: 2020-04-20. Review status: criteria provided, single submitter. Criteria: ACMG Guidelines, 2015. Collection method: clinical testing. Allele origin: germline.